The following is an entry in ClinVar:

ClinVar aggregate classification (germline): Likely pathogenic (1 of 4 stars; one submission).

Allele frequency attached by ClinVar (database versions not stated): gnomAD exomes below 0.00001.
gnomAD v4.1: 3 of 1,603,478 alleles (0.00019%); highest among the groups gnomAD compares: South Asian, 0.0033%; no homozygotes.

Submission:

Labcorp Genetics (formerly Invitae), Labcorp
Classification: Likely pathogenic. Last evaluated: 2025-10-06. Review status: criteria provided, single submitter. Criteria: Invitae Variant Classification Sherloc (09022015). Collection method: clinical testing. Allele origin: germline.
Comment: This sequence change affects an acceptor splice site in intron 1 of the NTHL1 gene. It is expected to disrupt RNA splicing. Variants that disrupt the donor or acceptor splice site typically lead to a loss of protein function (PMID: 16199547), and loss-of-function variants in NTHL1 are known to be pathogenic (PMID: 25938944, 26559593). This variant is present in population databases (no rsID available, gnomAD 0.003%). This variant has not been reported in the literature in individuals affected with NTHL1-related conditions. ClinVar contains an entry for this variant (Variation ID: 3013421). Algorithms developed to predict the effect of sequence changes on RNA splicing suggest that this variant may disrupt the consensus splice site. In summary, the currently available evidence indicates that the variant is pathogenic, but additional data are needed to prove that conclusively. Therefore, this variant has been classified as Likely Pathogenic.

Literature cited by the submitters: PubMed 16199547; PubMed 25938944; PubMed 26559593.

NM_002528.7(NTHL1):c.116-2A>G

Gene: NTHL1 (nth like DNA glycosylase 1; minus strand). Cytogenetic location: 16p13.3.
Variant type: single nucleotide variant.
Coding change: c.116-2A>G on transcript NM_002528.7 (MANE Select); the canonical splice acceptor site of the intron before coding-DNA position 116, A replaced by G.
Molecular consequence: splice acceptor variant.
Genome position (GRCh38, 1-based): chr16:2,046,368, T>C on the plus strand (A>G on the coding strand, the complement: NTHL1 is on the minus strand). VCF-style: chr16-2046368-T-C. GRCh37 (hg19) VCF-style: chr16-2096369-T-C.
Other names: c.-63-2A>G (NM_001318194.2); c.116-2A>G (NM_001318193.2).
Identifiers: ClinVar variation 3013421 (VCV003013421.3), dbSNP rs1411270811, ClinGen allele CA394298126.